The following is an entry in ClinVar:

NM_000257.4(MYH7):c.3337-2_3337delinsCAGA

Gene: MYH7 (myosin heavy chain 7; minus strand). Cytogenetic location: 14q11.2.
Variant type: Indel.
Coding change: c.3337-2_3337delinsCAGA on transcript NM_000257.4 (MANE Select); the canonical splice acceptor site of the intron before coding-DNA position 3337 through coding-DNA position 3337, AGG replaced by CAGA.
Molecular consequence: splice acceptor variant.
Genome position (GRCh38, 1-based): chr14:23,420,234-23,420,236, CCT replaced by TCTG on the plus strand (AGG replaced by CAGA on the coding strand, the reverse complement: MYH7 is on the minus strand). VCF-style: chr14-23420234-CCT-TCTG. GRCh37 (hg19) VCF-style: chr14-23889443-CCT-TCTG.
Other names: c.3337-2_3337delAGGinsCAGA (NM_000257.4).
Identifiers: ClinVar variation 925951 (VCV000925951.5), dbSNP rs1892420744, ClinGen allele CA913188633.
Genomic context (GRCh38, chr14:23,420,234, plus strand): 5'-CCACCTTAGCCCTGGCGGTGCGCTCGGCCTCCAGCTCCTCCTCCAGCTCCTCGATGCGTG[CCT>TCTG]GGTCAGACACAAAGGGCTCAGACCCACCGCCTGGACCCCTCCACTGGAATCCCCCCGGCT-3'

ClinVar aggregate classification (germline): Uncertain significance. Review status: criteria provided, multiple submitters, no conflicts (2 of 4 stars). 3 submissions from 3 submitters: Uncertain significance (3). Last evaluated 2022-12-05.

Conditions:
Cardiovascular phenotype. Identifiers: MedGen CN230736.
Cardiomyopathy (CMYO). Also called: Cardiomyopathies. Identifiers: Orphanet 167848, MedGen C0878544, MONDO:0004994, HP:0001638. Inheritance: Various modes of inheritance.
Myopathy, myosin storage, autosomal recessive (CMYO7B). Also called: CONGENITAL MYOPATHY 7B, MYOSIN STORAGE, AUTOSOMAL RECESSIVE. Identifiers: Orphanet 636970, MedGen C1850709, MONDO:0009708, OMIM 255160.
Dilated cardiomyopathy 1S (CMD1S). Identifiers: Orphanet 154, Orphanet 54260, MedGen C1834481, MONDO:0013262, OMIM 613426.
Congenital myopathy with fiber type disproportion. Also called: Congenital fiber-type disproportion myopathy; Congenital fiber-type disproportion. Identifiers: Orphanet 2020, MedGen C0546264, MONDO:0009711. Inheritance: all.
Myosin storage myopathy (CMYO7A). Also called: MYOPATHY, HYALINE BODY, AUTOSOMAL DOMINANT; Scapuloperoneal myopathy, MYH7-related; MYOPATHY WITH LYSIS OF TYPE I MYOFIBRILS; SCAPULOPERONEAL MUSCULAR DYSTROPHY; SCAPULOPERONEAL SYNDROME, MYOPATHIC TYPE; MYH7-related late-onset scapuloperoneal muscular dystrophy. Identifiers: Orphanet 437572, Orphanet 636965, MedGen C1842160, MONDO:0008409, OMIM 608358.
MYH7-related skeletal myopathy. Also called: Myopathy, distal, 1; MYOPATHY, DISTAL, EARLY-ONSET, AUTOSOMAL DOMINANT; MYOPATHY, LATE DISTAL HEREDITARY; Laing distal myopathy; Laing early-onset distal myopathy. Identifiers: Orphanet 59135, MedGen C4552004, MONDO:0008050, OMIM 160500.
Hypertrophic cardiomyopathy 1 (CMH1). Also called: Familial hypertrophic cardiomyopathy 1; MYH7-Related Familial Hypertrophic Cardiomyopathy. Identifiers: MedGen C3495498, MONDO:0008647, OMIM 192600.

Submissions (3):

Ambry Genetics
Classification: Uncertain significance for Cardiovascular phenotype. Last evaluated: 2022-12-05. Review status: criteria provided, single submitter. Criteria: Ambry Variant Classification Scheme 2023. Collection method: clinical testing. Allele origin: germline.
Comment: The c.3337-2_3337delAGGinsCAGA variant results from a deletion of 3 nucleotides and insertion of 4 nucleotides between positions c.3337-2 and c.3337. This variant impacts the first base pair of coding exon 25, but does not impact the canonical splice acceptor site before coding exon 25 of the MYH7 gene. This nucleotide region is highly conserved in available vertebrate species. Using the BDGP splice site prediction tool, this alteration does not have any significant effect on the native acceptor splice site; however, direct evidence is unavailable. Since supporting evidence is limited at this time, the clinical significance of this alteration remains unclear.

Fulgent Genetics
Classification: Uncertain significance for MYH7-related skeletal myopathy; Myosin storage myopathy; Hypertrophic cardiomyopathy 1; Myopathy, myosin storage, autosomal recessive; Congenital myopathy 4A, autosomal dominant; Dilated cardiomyopathy 1S. Last evaluated: 2021-08-09. Review status: criteria provided, single submitter. Criteria: ACMG Guidelines, 2015. Collection method: clinical testing. Allele origin: unknown.

Color Diagnostics, LLC DBA Color Health
Classification: Uncertain significance for Cardiomyopathy. Last evaluated: 2019-01-27. Review status: criteria provided, single submitter. Criteria: ACMG Guidelines, 2015. Collection method: clinical testing. Allele origin: germline.